The following is an entry in ClinVar:

ClinVar aggregate classification (germline): Likely benign. Review status: criteria provided, multiple submitters, no conflicts (2 of 4 stars). 7 submissions from 7 submitters: Likely benign (6). 1 of the submissions does not count toward it. Last evaluated 2025-12-13.

Conditions:
Hereditary breast ovarian cancer syndrome. Also called: Hereditary breast and ovarian cancer syndrome; Breast and ovarian cancer; Hereditary breast and ovarian cancer syndrome (HBOC); Hereditary breast and/or ovarian cancer syndrome; BRCA1- and BRCA2-Associated Hereditary Breast and Ovarian Cancer; Hereditary breast and ovarian cancer. Identifiers: Orphanet 145, MedGen C0677776, MeSH D061325, MONDO:0003582. Disease mechanism: loss of function.
Familial cancer of breast. Also called: Hereditary breast cancer; BREAST CANCER, FAMILIAL; hereditary breast carcinoma. Identifiers: Orphanet 227535, MedGen C0346153, MONDO:0016419, OMIM 114480. Disease mechanism: loss of function.
Fanconi anemia, complementation group S (FANCS). Identifiers: MedGen C4554406, MONDO:0054748, OMIM 617883.
Breast-ovarian cancer, familial, susceptibility to, 1 (BROVCA1). Also called: BRCA1 Hereditary Breast and Ovarian Cancer; OVARIAN CANCER, SUSCEPTIBILITY TO. Identifiers: Orphanet 145, MedGen C2676676, MONDO:0011450, OMIM 604370. Disease mechanism: loss of function.
Hereditary cancer-predisposing syndrome. Also called: Neoplastic Syndromes, Hereditary; Hereditary neoplastic syndrome; Hereditary Cancer Syndrome; Tumor predisposition. Identifiers: Orphanet 140162, MedGen C0027672, MeSH D009386, MONDO:0015356.

Allele frequency attached by ClinVar (database versions not stated): ExAC 0.00001; gnomAD exomes 0.00001 and 0.00004; TOPMed 0.00002; gnomAD 0.00003.
gnomAD v4.1: 58 of 1,601,662 alleles (0.0036%); highest among the groups gnomAD compares: African/African-American, 0.008%; no homozygotes.

Submissions (7):

Labcorp Genetics (formerly Invitae), Labcorp
Classification: Likely benign for Hereditary breast ovarian cancer syndrome. Last evaluated: 2025-12-13. Review status: criteria provided, single submitter. Criteria: Invitae Variant Classification Sherloc (09022015). Collection method: clinical testing. Allele origin: germline.

Women's Health and Genetics/Laboratory Corporation of America, LabCorp
Classification: Likely benign. Last evaluated: 2024-12-17. Review status: criteria provided, single submitter. Criteria: LabCorp Variant Classification Summary - May 2015. Collection method: clinical testing. Allele origin: germline.
Comment: Variant summary: BRCA1 c.5152+15A>G alters a non-conserved nucleotide located at a position not widely known to affect splicing. Consensus agreement among computation tools predict no significant impact on normal splicing (TrAP). However, these predictions have yet to be confirmed by functional studies. The variant allele was found at a frequency of 1.2e-05 in 251034 control chromosomes. The available data on variant occurrences in the general population are insufficient to allow any conclusion about variant significance. c.5152+15A>G has been reported in the literature in individuals affected with Hereditary Breast And Ovarian Cancer Syndrome, without strong evidence for causality (Hondow_2011). These report(s) do not provide unequivocal conclusions about association of the variant with Hereditary Breast And Ovarian Cancer Syndrome. To our knowledge, no experimental evidence demonstrating an impact on protein function has been reported. ClinVar contains an entry for this variant (Variation ID: 377573). Based on the evidence outlined above, the variant was classified as likely benign.

Department of Pathology and Laboratory Medicine, Sinai Health System
Classification: Likely benign for Familial cancer of breast; Breast-ovarian cancer, familial, susceptibility to, 1; Fanconi anemia, complementation group S. Last evaluated: 2020-09-15. Review status: criteria provided, single submitter. Criteria: ACMG Guidelines, 2015. Collection method: clinical testing. Allele origin: germline. Affected: yes.

ARUP Laboratories, Molecular Genetics and Genomics, ARUP Laboratories
Classification: Likely benign. Last evaluated: 2019-02-11. Review status: criteria provided, single submitter. Criteria: ARUP Molecular Germline Variant Investigation Process. Collection method: clinical testing. Allele origin: germline.

GeneDx
Classification: Likely benign. Last evaluated: 2016-12-19. Review status: criteria provided, single submitter. Criteria: GeneDx Variant Classification (06012015). Collection method: clinical testing. Allele origin: germline. Affected: yes.
Comment: This variant is considered likely benign or benign based on one or more of the following criteria: it is a conservative change, it occurs at a poorly conserved position in the protein, it is predicted to be benign by multiple in silico algorithms, and/or has population frequency not consistent with disease.

Color Diagnostics, LLC DBA Color Health
Classification: Likely benign for Hereditary cancer-predisposing syndrome. Last evaluated: 2016-08-05. Review status: criteria provided, single submitter. Criteria: ACMG Guidelines, 2015. Collection method: clinical testing. Allele origin: germline.

Cancer Genetics and Genomics Laboratory, British Columbia Cancer Agency
Classification: Uncertain significance for Hereditary breast ovarian cancer syndrome. Last evaluated: 2016-04-14. Review status: no assertion criteria provided. Collection method: clinical testing. Allele origin: germline. Study: The Canadian Open Genetics Repository (COGR). Not counted in ClinVar's aggregate classification.

Literature cited by the submitters: PubMed 21702907 (cited by Women's Health and Genetics/Laboratory Corporation of America, LabCorp).

NM_007294.4(BRCA1):c.5152+15A>G

Gene: BRCA1 (BRCA1 DNA repair associated; minus strand). Cytogenetic location: 17q21.31.
Variant type: single nucleotide variant.
Coding change: c.5152+15A>G on transcript NM_007294.4 (MANE Select); 15 bases into the intron after coding-DNA position 5152, A replaced by G.
Molecular consequence: intron variant.
Genome position (GRCh38, 1-based): chr17:43,063,859, T>C on the plus strand (A>G on the coding strand, the complement: BRCA1 is on the minus strand). VCF-style: chr17-43063859-T-C. GRCh37 (hg19) VCF-style: chr17-41215876-T-C.
Other names: c.1699+15A>G (NM_001408458.1, NM_001408461.1, NM_001408464.1 and 7 more transcripts); c.4261+15A>G (NM_001407967.1); c.4771+15A>G (NM_001407959.1); c.4885+15A>G (NM_001407931.1, NM_001407932.1, NM_001407928.1 and 4 more transcripts); c.5008+15A>G (NM_001407747.1, NM_001407745.1, NM_001407737.1 and 21 more transcripts); c.4768+15A>G (NM_001407962.1, NM_001407960.1); c.1339+15A>G (NM_001408512.1); c.1462+15A>G (NM_001408510.1); and 73 more.
Identifiers: ClinVar variation 377573 (VCV000377573.24), dbSNP rs750905289, ClinGen allele CA053986.
Genomic context (GRCh38, chr17:43,063,859, plus strand): 5'-GGTGTTAAACGTTAGGTGTAAAAATGCAATTCTGAGGTGTTAAAGGGAGGAGGGGAGAAA[T>C]AGTATTATACTTACAGAAATAGCTAACTACCCATTTTCCTCCCGCAATTCCTAGAAAATA-3'